The following is an entry in ClinVar:

ClinVar aggregate classification (germline): Uncertain significance (1 of 4 stars; one submission).

Conditions:
Mitochondrial complex V (ATP synthase) deficiency, nuclear type 2. Also called: MITOCHONDRIAL COMPLEX V (ATP SYNTHASE) DEFICIENCY, TMEM70 TYPE; Nuclear-Encoded ATPase Deficiency, TMEM70-Related; ENCEPHALOCARDIOMYOPATHY, MITOCHONDRIAL, NEONATAL, DUE TO ATP SYNTHASE DEFICIENCY. Identifiers: Orphanet 1194, MedGen C3279699, MONDO:0013546, OMIM 614052.

Allele frequency attached by ClinVar (database versions not stated): gnomAD 0.00001; gnomAD exomes 0.00001; TOPMed 0.00001.
gnomAD v4.1: 13 of 1,613,724 alleles (0.00081%); highest among the groups gnomAD compares: Non-Finnish European, 0.00093%; no homozygotes.

Submission:

Labcorp Genetics (formerly Invitae), Labcorp
Classification: Uncertain significance for Mitochondrial complex V (ATP synthase) deficiency, nuclear type 2. Last evaluated: 2022-06-10. Review status: criteria provided, single submitter. Criteria: Invitae Variant Classification Sherloc (09022015). Collection method: clinical testing. Allele origin: germline.
Comment: In summary, the available evidence is currently insufficient to determine the role of this variant in disease. Therefore, it has been classified as a Variant of Uncertain Significance. Algorithms developed to predict the effect of missense changes on protein structure and function are either unavailable or do not agree on the potential impact of this missense change (SIFT: "Tolerated"; PolyPhen-2: "Possibly Damaging"; Align-GVGD: "Class C0"). This variant has not been reported in the literature in individuals affected with TMEM70-related conditions. The frequency data for this variant in the population databases is considered unreliable, as metrics indicate poor data quality at this position in the gnomAD database. This sequence change replaces arginine, which is basic and polar, with histidine, which is basic and polar, at codon 229 of the TMEM70 protein (p.Arg229His).

NM_017866.6(TMEM70):c.686G>A (p.Arg229His)

Gene: TMEM70 (transmembrane protein 70; plus strand). Cytogenetic location: 8q21.11.
Variant type: single nucleotide variant.
Coding change: c.686G>A on transcript NM_017866.6 (MANE Select); coding-DNA position 686, G replaced by A.
Protein change: p.Arg229His; replaces arginine 229 with histidine.
Molecular consequence: missense variant. On other transcripts: 3 prime UTR variant (1), non-coding transcript variant (1).
Genome position (GRCh38, 1-based): chr8:73,981,524, G>A. VCF-style: chr8-73981524-G-A. GRCh37 (hg19) VCF-style: chr8-74893759-G-A.
Other names: c.*376G>A (NM_001040613.3); short protein forms R229H.
Identifiers: ClinVar variation 2069522 (VCV002069522.4), dbSNP rs747991849, ClinGen allele CA179294608.